The following is an entry in ClinVar:

ClinVar aggregate classification (germline): Likely pathogenic. Review status: criteria provided, multiple submitters, no conflicts (2 of 4 stars). 2 submissions from 2 submitters: Likely pathogenic (2). Last evaluated 2025-02-24.

Conditions:
Alstrom syndrome (ALMS). Identifiers: Orphanet 64, MedGen C0268425, MONDO:0008763, OMIM 203800.
ALMS1-related disorder. Also called: ALMS1-related condition.

Submissions (2):

Labcorp Genetics (formerly Invitae), Labcorp
Classification: Likely pathogenic for Alstrom syndrome. Last evaluated: 2025-02-24. Review status: criteria provided, single submitter. Criteria: Invitae Variant Classification Sherloc (09022015). Collection method: clinical testing. Allele origin: germline.
Comment: This sequence change affects a donor splice site in intron 8 of the ALMS1 gene. It is expected to disrupt RNA splicing. Variants that disrupt the donor or acceptor splice site typically lead to a loss of protein function (PMID: 16199547), and loss-of-function variants in ALMS1 are known to be pathogenic (PMID: 17594715). This variant is not present in population databases (gnomAD no frequency). This variant has not been reported in the literature in individuals affected with ALMS1-related conditions. ClinVar contains an entry for this variant (Variation ID: 1347121). Algorithms developed to predict the effect of sequence changes on RNA splicing suggest that this variant may disrupt the consensus splice site. In summary, the currently available evidence indicates that the variant is pathogenic, but additional data are needed to prove that conclusively. Therefore, this variant has been classified as Likely Pathogenic.

Blueprint Genetics
Classification: Likely pathogenic for ALMS1-related disorders. Last evaluated: 2020-11-18. Review status: criteria provided, single submitter. Criteria: ACMG Guidelines, 2015. Collection method: clinical testing. Allele origin: germline. Affected: yes. Observed: 1 variant allele.

Literature cited by the submitters: PubMed 16199547 (cited by Labcorp Genetics (formerly Invitae), Labcorp); PubMed 17594715 (cited by Labcorp Genetics (formerly Invitae), Labcorp).

NM_001378454.1(ALMS1):c.7540+2T>C

Gene: ALMS1 (ALMS1 centrosome and basal body associated protein; plus strand). Cytogenetic location: 2p13.1.
Variant type: single nucleotide variant.
Coding change: c.7540+2T>C on transcript NM_001378454.1 (MANE Select); the canonical splice donor site of the intron after coding-DNA position 7540, T replaced by C.
Molecular consequence: splice donor variant.
Genome position (GRCh38, 1-based): chr2:73,454,069, T>C. VCF-style: chr2-73454069-T-C. GRCh37 (hg19) VCF-style: chr2-73681196-T-C.
Other names: c.7540+2T>C (NM_015120.4).
Identifiers: ClinVar variation 1347121 (VCV001347121.7), dbSNP rs1672009270, ClinGen allele CA347292695.
Genomic context (GRCh38, chr2:73,454,069, plus strand): 5'-TCATGCTAAAGAAATACTCAGAAATGCAGAGGAAGAGGAAAGCCGGGTACGAGCACATGG[T>C]AAGAAGAAAGTTTCAGGCTTATAAACGTTATAGTTTAATAATGTGTTTAAAGTTAGATAT-3'